The following is an entry in ClinVar:

ClinVar aggregate classification (germline): Uncertain significance (1 of 4 stars; one submission).

Conditions:
Bethlem myopathy 1A. Also called: MYOPATHY, BENIGN CONGENITAL, WITH CONTRACTURES; Bethlem Muscular Dystrophy; Bethlem myopathy 1. Identifiers: Orphanet 610, MedGen CN029274, MONDO:0024530, OMIM 158810.

gnomAD v4.1: 2 of 1,613,180 alleles (0.00012%); highest among the groups gnomAD compares: East Asian, 0.0022%; no homozygotes.

Submission:

Labcorp Genetics (formerly Invitae), Labcorp
Classification: Uncertain significance for Bethlem myopathy 1A. Last evaluated: 2024-07-03. Review status: criteria provided, single submitter. Criteria: Invitae Variant Classification Sherloc (09022015). Collection method: clinical testing. Allele origin: germline.
Comment: This sequence change replaces phenylalanine, which is neutral and non-polar, with leucine, which is neutral and non-polar, at codon 73 of the COL6A2 protein (p.Phe73Leu). This variant is present in population databases (rs374336669, gnomAD 0.006%). This variant has not been reported in the literature in individuals affected with COL6A2-related conditions. Advanced modeling of protein sequence and biophysical properties (such as structural, functional, and spatial information, amino acid conservation, physicochemical variation, residue mobility, and thermodynamic stability) performed at Invitae indicates that this missense variant is expected to disrupt COL6A2 protein function with a positive predictive value of 80%. In summary, the available evidence is currently insufficient to determine the role of this variant in disease. Therefore, it has been classified as a Variant of Uncertain Significance.

NM_001849.4(COL6A2):c.219C>G (p.Phe73Leu)

Gene: COL6A2 (collagen type VI alpha 2 chain; plus strand). Cytogenetic location: 21q22.3.
Variant type: single nucleotide variant.
Coding change: c.219C>G on transcript NM_001849.4 (MANE Select); coding-DNA position 219, C replaced by G.
Protein change: p.Phe73Leu; replaces phenylalanine 73 with leucine.
Molecular consequence: missense variant.
Genome position (GRCh38, 1-based): chr21:46,112,082, C>G. VCF-style: chr21-46112082-C-G. GRCh37 (hg19) VCF-style: chr21-47531996-C-G.
Other names: c.219C>G, p.Phe73Leu (NM_058174.3, NM_058175.3); short protein forms F73L.
Identifiers: ClinVar variation 3726155 (VCV003726155.2).